The following is an entry in ClinVar:

NM_177438.3(DICER1):c.3326C>T (p.Ser1109Leu)

Gene: DICER1 (dicer 1, ribonuclease III; minus strand). Cytogenetic location: 14q32.13.
Variant type: single nucleotide variant.
Coding change: c.3326C>T on transcript NM_177438.3 (MANE Select); coding-DNA position 3326, C replaced by T.
Protein change: p.Ser1109Leu; replaces serine 1109 with leucine.
Molecular consequence: missense variant. On other transcripts: non-coding transcript variant (4).
Genome position (GRCh38, 1-based): chr14:95,104,070, G>A on the plus strand (C>T on the coding strand, the complement: DICER1 is on the minus strand). VCF-style: chr14-95104070-G-A. GRCh37 (hg19) VCF-style: chr14-95570407-G-A.
Other names: c.3326C>T, p.Ser1109Leu (NM_001195573.1, NM_001271282.3, NM_001291628.2 and 12 more transcripts); c.1643C>T, p.Ser548Leu (NM_001395697.1); c.3044C>T, p.Ser1015Leu (NM_001395686.1); c.2921C>T, p.Ser974Leu (NM_001395687.1, NM_001395688.1, NM_001395689.1 and 2 more transcripts); c.2759C>T, p.Ser920Leu (NM_001395691.1); short protein forms S548L, S1015L, S920L, S1109L, S974L.
Identifiers: ClinVar variation 3655578 (VCV003655578.3).

ClinVar aggregate classification (germline): Uncertain significance. Review status: criteria provided, multiple submitters, no conflicts (2 of 4 stars). 2 submissions from 2 submitters: Uncertain significance (2). Last evaluated 2026-07-07.

Conditions:
Hereditary cancer-predisposing syndrome. Also called: Tumor predisposition; Hereditary neoplastic syndrome; Hereditary Cancer Syndrome; Neoplastic Syndromes, Hereditary. Identifiers: Orphanet 140162, MedGen C0027672, MeSH D009386, MONDO:0015356.
DICER1-related tumor predisposition. Also called: DICER1-related pleuropulmonary blastoma cancer predisposition syndrome; DICER1 syndrome. Identifiers: Orphanet 284343, MedGen C3839822, MONDO:0100216.

Submissions (2):

Ambry Genetics
Classification: Uncertain significance for Hereditary cancer-predisposing syndrome. Last evaluated: 2026-07-07. Review status: criteria provided, single submitter. Criteria: Ambry Variant Classification Scheme 2023. Collection method: clinical testing. Allele origin: germline.
Comment: The p.S1109L variant (also known as c.3326C>T), located in coding exon 20 of the DICER1 gene, results from a C to T substitution at nucleotide position 3326. The serine at codon 1109 is replaced by leucine, an amino acid with dissimilar properties. This amino acid position is conserved. In addition, the in silico prediction for this alteration is inconclusive. Based on the available evidence, the clinical significance of this variant remains unclear.

Labcorp Genetics (formerly Invitae), Labcorp
Classification: Uncertain significance for DICER1-related tumor predisposition. Last evaluated: 2024-07-02. Review status: criteria provided, single submitter. Criteria: Invitae Variant Classification Sherloc (09022015). Collection method: clinical testing. Allele origin: germline.
Comment: This sequence change replaces serine, which is neutral and polar, with leucine, which is neutral and non-polar, at codon 1109 of the DICER1 protein (p.Ser1109Leu). This variant is not present in population databases (gnomAD no frequency). This variant has not been reported in the literature in individuals affected with DICER1-related conditions. Advanced modeling of protein sequence and biophysical properties (such as structural, functional, and spatial information, amino acid conservation, physicochemical variation, residue mobility, and thermodynamic stability) performed at Invitae indicates that this missense variant is not expected to disrupt DICER1 protein function with a negative predictive value of 80%. In summary, the available evidence is currently insufficient to determine the role of this variant in disease. Therefore, it has been classified as a Variant of Uncertain Significance.